The following is an entry in ClinVar:

ClinVar aggregate classification (germline): Uncertain significance (1 of 4 stars; one submission).

Conditions:
GLUT1 deficiency syndrome 1, autosomal recessive. Identifiers: MedGen C3149117.

Submission:

Labcorp Genetics (formerly Invitae), Labcorp
Classification: Uncertain significance for GLUT1 deficiency syndrome 1, autosomal recessive. Last evaluated: 2022-10-07. Review status: criteria provided, single submitter. Criteria: Invitae Variant Classification Sherloc (09022015). Collection method: clinical testing. Allele origin: germline.
Comment: This sequence change replaces leucine, which is neutral and non-polar, with arginine, which is basic and polar, at codon 355 of the SLC2A1 protein (p.Leu355Arg). This variant is not present in population databases (gnomAD no frequency). This variant has not been reported in the literature in individuals affected with SLC2A1-related conditions. ClinVar contains an entry for this variant (Variation ID: 842110). Advanced modeling of protein sequence and biophysical properties (such as structural, functional, and spatial information, amino acid conservation, physicochemical variation, residue mobility, and thermodynamic stability) performed at Invitae indicates that this missense variant is expected to disrupt SLC2A1 protein function. In summary, the available evidence is currently insufficient to determine the role of this variant in disease. Therefore, it has been classified as a Variant of Uncertain Significance.

NM_006516.4(SLC2A1):c.1064T>G (p.Leu355Arg)

Gene: SLC2A1 (solute carrier family 2 member 1; minus strand). Cytogenetic location: 1p34.2.
Variant type: single nucleotide variant.
Coding change: c.1064T>G on transcript NM_006516.4 (MANE Select); coding-DNA position 1064, T replaced by G.
Protein change: p.Leu355Arg; replaces leucine 355 with arginine.
Molecular consequence: missense variant.
Genome position (GRCh38, 1-based): chr1:42,928,942, A>C on the plus strand (T>G on the coding strand, the complement: SLC2A1 is on the minus strand). VCF-style: chr1-42928942-A-C. GRCh37 (hg19) VCF-style: chr1-43394613-A-C.
Other names: short protein forms L355R.
Identifiers: ClinVar variation 842110 (VCV000842110.10), dbSNP rs1643456257, ClinGen allele CA339955520.
Genomic context (GRCh38, chr1:42,928,942, plus strand): 5'-CCCAGGCAAACTCTCCCGCATCCCTCACTCTCCAGAACCTAGCAACTCACCAGCAGTGCT[A>C]GCGCGATGGTCATGAGTATGGCACAACCCGCCATGCCAGCGAGGCCTATGAGGTGCAGGG-3'
Protein context (NP_006507.2, residues 345-365): AGCAILMTIA[Leu355Arg]ALLEQLPWMS